The following is an entry in ClinVar:

NM_001127222.2(CACNA1A):c.5795A>G (p.Asn1932Ser)

Gene: CACNA1A (calcium voltage-gated channel subunit alpha1 A; minus strand). Cytogenetic location: 19p13.13.
Variant type: single nucleotide variant.
Coding change: c.5795A>G on transcript NM_001127222.2 (MANE Select); coding-DNA position 5795, A replaced by G.
Protein change: p.Asn1932Ser; replaces asparagine 1932 with serine.
Molecular consequence: missense variant.
Genome position (GRCh38, 1-based): chr19:13,214,545, T>C on the plus strand (A>G on the coding strand, the complement: CACNA1A is on the minus strand). VCF-style: chr19-13214545-T-C. GRCh37 (hg19) VCF-style: chr19-13325359-T-C.
Other names: c.5813A>G, p.Asn1938Ser (NM_000068.4, NM_023035.3); c.5798A>G, p.Asn1933Ser (NM_001127221.2); c.5804A>G, p.Asn1935Ser (NM_001174080.2); short protein forms N1933S, N1932S, N1938S, N1935S.
Identifiers: ClinVar variation 589277 (VCV000589277.13), dbSNP rs1205866071, ClinGen allele CA404334430.

ClinVar aggregate classification (germline): Conflicting classifications of pathogenicity. Review status: criteria provided, conflicting classifications (1 of 4 stars). 2 submissions from 2 submitters: Uncertain significance (1); Likely benign (1). Last evaluated 2025-08-30.

Conditions:
Inborn genetic diseases. Identifiers: MedGen C0950123, MeSH D030342.
Developmental and epileptic encephalopathy, 42 (DEE42A). Also called: DEVELOPMENTAL AND EPILEPTIC ENCEPHALOPATHY 42A; EPILEPTIC ENCEPHALOPATHY, EARLY INFANTILE, 42A; Epileptic encephalopathy, early infantile, 42. Identifiers: MedGen C4310716, MONDO:0014917, OMIM 617106.
Episodic ataxia type 2 (EA2). Also called: ACETAZOLAMIDE-RESPONSIVE HEREDITARY PAROXYSMAL CEREBELLAR ATAXIA; ATAXIA, EPISODIC, WITH NYSTAGMUS; ATAXIA, FAMILIAL PAROXYSMAL; CEREBELLAR ATAXIA, PAROXYSMAL, ACETAZOLAMIDE-RESPONSIVE; CEREBELLOPATHY, HEREDITARY PAROXYSMAL; EPISODIC ATAXIA, NYSTAGMUS-ASSOCIATED. Identifiers: Orphanet 97, MedGen C1720416, MONDO:0007163, OMIM 108500.

Allele frequency attached by ClinVar (database versions not stated): gnomAD exomes below 0.00001; gnomAD 0.00001; TOPMed 0.00001.
gnomAD v4.1: 4 of 1,613,876 alleles (0.00025%); highest among the groups gnomAD compares: South Asian, 0.0011%; no homozygotes.

Submissions (2):

Labcorp Genetics (formerly Invitae), Labcorp
Classification: Likely benign for Developmental and epileptic encephalopathy, 42; Episodic ataxia type 2. Last evaluated: 2025-08-30. Review status: criteria provided, single submitter. Criteria: Invitae Variant Classification Sherloc (09022015). Collection method: clinical testing. Allele origin: germline.

Ambry Genetics
Classification: Uncertain significance for Inborn genetic diseases. Last evaluated: 2025-07-10. Review status: criteria provided, single submitter. Criteria: Ambry Variant Classification Scheme 2023. Collection method: clinical testing. Allele origin: germline.
Comment: Unlikely to be causative of CACNA1A-related spinocerebellar ataxia (AD). Based on insufficient or conflicting evidence, the clinical significance of this alteration remains unclear.